The following is an entry in ClinVar:

NM_000784.4(CYP27A1):c.689dup (p.Arg231fs)

Gene: CYP27A1 (cytochrome P450 family 27 subfamily A member 1; plus strand). Cytogenetic location: 2q35.
Variant type: Duplication.
Coding change: c.689dup on transcript NM_000784.4 (MANE Select); coding-DNA position 689, one base duplicated (A; older notation c.689dupA).
Protein change: p.Arg231fs; shifts the reading frame from arginine 231.
Molecular consequence: frameshift variant.
Genome position (GRCh38, 1-based): chr2:218,812,594, A duplicated. VCF-style (leftmost placement, unchanged base first): chr2-218812593-C-CA. GRCh37 (hg19) VCF-style: chr2-219677316-C-CA.
Other names: short protein forms R231fs.
Identifiers: ClinVar variation 2697865 (VCV002697865.3), dbSNP rs2470226909, ClinGen allele CA2697550458.

ClinVar aggregate classification (germline): Pathogenic (1 of 4 stars; one submission).

Conditions:
Cholestanol storage disease (CTX). Also called: Cerebrotendinous Xanthomatosis; CEREBRAL CHOLESTERINOSIS; CTX: Cerebrotendinous xanthomatosis. Identifiers: Orphanet 909, MedGen C0238052, MONDO:0008948, OMIM 213700.

Submission:

Labcorp Genetics (formerly Invitae), Labcorp
Classification: Pathogenic for Cholestanol storage disease. Last evaluated: 2023-11-21. Review status: criteria provided, single submitter. Criteria: Invitae Variant Classification Sherloc (09022015). Collection method: clinical testing. Allele origin: germline.
Comment: This sequence change creates a premature translational stop signal (p.Arg231Alafs*57) in the CYP27A1 gene. It is expected to result in an absent or disrupted protein product. Loss-of-function variants in CYP27A1 are known to be pathogenic (PMID: 9392430, 10775536, 26937392). This variant is not present in population databases (gnomAD no frequency). This variant has not been reported in the literature in individuals affected with CYP27A1-related conditions. For these reasons, this variant has been classified as Pathogenic.

Literature cited by the submitters: PubMed 9392430; PubMed 10775536; PubMed 26937392.